The following is an entry in ClinVar:

NM_004655.4(AXIN2):c.602G>A (p.Arg201Lys)

Gene: AXIN2 (axin 2; minus strand). Cytogenetic location: 17q24.1.
Variant type: single nucleotide variant.
Coding change: c.602G>A on transcript NM_004655.4 (MANE Select); coding-DNA position 602, G replaced by A.
Protein change: p.Arg201Lys; replaces arginine 201 with lysine.
Molecular consequence: missense variant.
Genome position (GRCh38, 1-based): chr17:65,558,019, C>T on the plus strand (G>A on the coding strand, the complement: AXIN2 is on the minus strand). VCF-style: chr17-65558019-C-T. GRCh37 (hg19) VCF-style: chr17-63554137-C-T.
Other names: c.602G>A (LRG_296t1); c.602G>A, p.Arg201Lys (NM_001363813.1); short protein forms R201K.
Identifiers: ClinVar variation 533206 (VCV000533206.10), dbSNP rs999658623, ClinGen allele CA293107156.

ClinVar aggregate classification (germline): Uncertain significance. Review status: criteria provided, multiple submitters, no conflicts (2 of 4 stars). 2 submissions from 2 submitters: Uncertain significance (2). Last evaluated 2023-05-13.

Conditions:
Hereditary cancer-predisposing syndrome. Also called: Hereditary neoplastic syndrome; Neoplastic Syndromes, Hereditary; Tumor predisposition; Hereditary Cancer Syndrome. Identifiers: Orphanet 140162, MedGen C0027672, MeSH D009386, MONDO:0015356.
Oligodontia-cancer predisposition syndrome. Also called: TOOTH AGENESIS-COLORECTAL CANCER SYNDROME. Identifiers: Orphanet 300576, MedGen C1837750, MONDO:0012075, OMIM 608615. Disease mechanism: loss of function.

Allele frequency attached by ClinVar (database versions not stated): gnomAD exomes below 0.00001; TOPMed below 0.00001; gnomAD 0.00001.

Submissions (2):

Ambry Genetics
Classification: Uncertain significance for Hereditary cancer-predisposing syndrome. Last evaluated: 2023-05-13. Review status: criteria provided, single submitter. Criteria: Ambry Variant Classification Scheme 2023. Collection method: clinical testing. Allele origin: germline.
Comment: The p.R201K variant (also known as c.602G>A), located in coding exon 1 of the AXIN2 gene, results from a G to A substitution at nucleotide position 602. The arginine at codon 201 is replaced by lysine, an amino acid with highly similar properties. This amino acid position is conserved. In addition, this alteration is predicted to be tolerated by in silico analysis. Since supporting evidence is limited at this time, the clinical significance of this alteration remains unclear.

Labcorp Genetics (formerly Invitae), Labcorp
Classification: Uncertain significance for Oligodontia-cancer predisposition syndrome. Last evaluated: 2022-05-02. Review status: criteria provided, single submitter. Criteria: Invitae Variant Classification Sherloc (09022015). Collection method: clinical testing. Allele origin: germline.
Comment: In summary, the available evidence is currently insufficient to determine the role of this variant in disease. Therefore, it has been classified as a Variant of Uncertain Significance. Algorithms developed to predict the effect of missense changes on protein structure and function are either unavailable or do not agree on the potential impact of this missense change (SIFT: "Tolerated"; PolyPhen-2: "Possibly Damaging"; Align-GVGD: "Class C0"). ClinVar contains an entry for this variant (Variation ID: 533206). This variant has not been reported in the literature in individuals affected with AXIN2-related conditions. This variant is present in population databases (no rsID available, gnomAD 0.0009%). This sequence change replaces arginine, which is basic and polar, with lysine, which is basic and polar, at codon 201 of the AXIN2 protein (p.Arg201Lys).